The following is an entry in ClinVar:

ClinVar aggregate classification (germline): Uncertain significance. Review status: criteria provided, multiple submitters, no conflicts (2 of 4 stars). 2 submissions from 2 submitters: Uncertain significance (2). Last evaluated 2026-08-01.

gnomAD v4.1: 75 of 1,572,140 alleles (0.0048%); highest among the groups gnomAD compares: Middle Eastern, 0.034%; no homozygotes.

Submissions (2):

CeGaT Center for Human Genetics Tuebingen
Classification: Uncertain significance. Last evaluated: 2026-08-01. Review status: criteria provided, single submitter. Criteria: CeGaT Center For Human Genetics Tuebingen Variant Classification Criteria Version 2. Collection method: clinical testing. Allele origin: germline. Affected: yes. Observed: 1 variant allele.
Comment: SGSM3: PM2

Ambry Genetics
Classification: Uncertain significance. Last evaluated: 2025-06-19. Review status: criteria provided, single submitter. Criteria: Ambry Variant Classification Scheme 2023. Collection method: clinical testing. Allele origin: germline.

NM_015705.6(SGSM3):c.1187T>C (p.Val396Ala)

Gene: SGSM3 (small G protein signaling modulator 3; plus strand). Cytogenetic location: 22q13.1.
Variant type: single nucleotide variant.
Coding change: c.1187T>C on transcript NM_015705.6 (MANE Select); coding-DNA position 1187, T replaced by C.
Protein change: p.Val396Ala; replaces valine 396 with alanine.
Molecular consequence: missense variant. On other transcripts: non-coding transcript variant (4).
Genome position (GRCh38, 1-based): chr22:40,407,018, T>C. VCF-style: chr22-40407018-T-C. GRCh37 (hg19) VCF-style: chr22-40803022-T-C.
Other names: c.998T>C, p.Val333Ala (NM_001301849.2, NM_001350042.2, NM_001350044.2 and 1 more transcripts); c.1187T>C, p.Val396Ala (NM_001350039.2, NM_001350040.2, NM_001350041.2); c.986T>C, p.Val329Ala (NM_001350043.2, NM_001350046.2, NM_001350047.2); c.689T>C, p.Val230Ala (NM_001350048.2); short protein forms V329A, V396A, V230A, V333A.
Identifiers: ClinVar variation 4163860 (VCV004163860.2).
Genomic context (GRCh38, chr22:40,407,018, plus strand): 5'-CTGGTGGGTTCTCTTCCTCCCGGGGCCAGGACCACCCTGACCCACTCCTCTTGGTGCAGG[T>C]TGTTCGCCGCAGGACCCAGCGGAGGAAGTCCACCATCACTGCTCTGCTCTTCGGTGAGAG-3'
Protein context (NP_056520.2, residues 386-406): GAGTLTNLSQ[Val396Ala]VRRRTQRRKS